The following is an entry in ClinVar:

ClinVar aggregate classification (germline): Likely benign. Review status: criteria provided, multiple submitters, no conflicts (2 of 4 stars). 5 submissions from 5 submitters: Likely benign (4). 1 of the submissions does not count toward it. Last evaluated 2025-11-18.

Conditions:
USH2A-related disorder. Also called: USH2A-related condition; USH2A-related disorders. Identifiers: MedGen CN239332.
Usher syndrome type 2A. Also called: USHER SYNDROME, TYPE IIA; RETINAL DISEASE IN USHER SYNDROME TYPE IIA, MODIFIER OF. Identifiers: Orphanet 231178, Orphanet 886, MedGen C1848634, MONDO:0010169, OMIM 276901.

Allele frequency attached by ClinVar (database versions not stated): TOPMed 0.00006.
gnomAD v4.1: 100 of 1,613,538 alleles (0.0062%); highest among the groups gnomAD compares: African/African-American, 0.033%; no homozygotes.

Submissions (5):

Labcorp Genetics (formerly Invitae), Labcorp
Classification: Likely benign. Last evaluated: 2025-11-18. Review status: criteria provided, single submitter. Criteria: Invitae Variant Classification Sherloc (09022015). Collection method: clinical testing. Allele origin: germline.

CeGaT Center for Human Genetics Tuebingen
Classification: Likely benign. Last evaluated: 2024-12-01. Review status: criteria provided, single submitter. Criteria: CeGaT Center For Human Genetics Tuebingen Variant Classification Criteria Version 2. Collection method: clinical testing. Allele origin: germline. Affected: yes. Observed: 2 variant alleles.
Comment: USH2A: BP4, BP7

PreventionGenetics, part of Exact Sciences
Classification: Likely benign for USH2A-related condition. Last evaluated: 2024-10-09. Review status: criteria provided, single submitter. Criteria: ACMG Guidelines, 2015. Collection method: clinical testing. Allele origin: germline.
Comment: This variant is classified as likely benign based on ACMG/AMP sequence variant interpretation guidelines (Richards et al. 2015 PMID: 25741868, with internal and published modifications).

Blueprint Genetics
Classification: Likely benign. Last evaluated: 2023-04-17. Review status: criteria provided, single submitter. Criteria: ACMG Guidelines, 2015. Collection method: clinical testing. Allele origin: germline.

Natera, Inc.
Classification: Uncertain significance for Usher syndrome type 2A. Last evaluated: 2019-11-11. Review status: no assertion criteria provided. Collection method: clinical testing. Allele origin: germline. Not counted in ClinVar's aggregate classification.

NM_206933.4(USH2A):c.10413A>G (p.Thr3471=)

Gene: USH2A (usherin; minus strand). Cytogenetic location: 1q41.
Variant type: single nucleotide variant.
Coding change: c.10413A>G on transcript NM_206933.4 (MANE Select); coding-DNA position 10413, A replaced by G.
Protein change: p.Thr3471=; no amino-acid change (threonine 3471 retained).
Molecular consequence: synonymous variant.
Genome position (GRCh38, 1-based): chr1:215,782,910, T>C on the plus strand (A>G on the coding strand, the complement: USH2A is on the minus strand). VCF-style: chr1-215782910-T-C. GRCh37 (hg19) VCF-style: chr1-215956252-T-C.
Identifiers: ClinVar variation 444201 (VCV000444201.50), dbSNP rs530322386, ClinGen allele CA1394019.